The following is an entry in ClinVar:

NM_001032283.3(TMPO):c.565+1615C>T

Gene: TMPO (thymopoietin; plus strand). Cytogenetic location: 12q23.1.
Variant type: single nucleotide variant.
Coding change: c.565+1615C>T on transcript NM_001032283.3 (MANE Select); 1615 bases into the intron after coding-DNA position 565, C replaced by T.
Molecular consequence: intron variant. On other transcripts: missense variant (1).
Genome position (GRCh38, 1-based): chr12:98,533,453, C>T. VCF-style: chr12-98533453-C-T. GRCh37 (hg19) VCF-style: chr12-98927231-C-T.
Other names: c.1196C>T, p.Ser399Phe (NM_003276.2); c.565+1615C>T (NM_001307975.2, NM_001032284.3); short protein forms S399F.
Identifiers: ClinVar variation 3572726 (VCV003572726.1).

ClinVar aggregate classification (germline): Uncertain significance (1 of 4 stars; one submission).

gnomAD v4.1: 1 of 1,614,154 alleles (0.000062%); highest among the groups gnomAD compares: Non-Finnish European, 0.000085%; no homozygotes.

Submission:

GeneDx
Classification: Uncertain significance. Last evaluated: 2024-07-09. Review status: criteria provided, single submitter. Criteria: GeneDx Variant Classification Process June 2021. Collection method: clinical testing. Allele origin: germline. Affected: yes.
Comment: Not observed at significant frequency in large population cohorts (gnomAD); In silico analysis indicates that this missense variant does not alter protein structure/function; Has not been previously published as pathogenic or benign to our knowledge